The following is an entry in ClinVar:

ClinVar aggregate classification (germline): Likely benign (1 of 4 stars; one submission).

Allele frequency attached by ClinVar (database versions not stated): ExAC 0.00045; TOPMed 0.00072; gnomAD 0.00074; ESP Exome Variant Server 0.00100.

Submission:

CeGaT Center for Human Genetics Tuebingen
Classification: Likely benign. Last evaluated: 2023-03-01. Review status: criteria provided, single submitter. Criteria: CeGaT Center For Human Genetics Tuebingen Variant Classification Criteria Version 2. Collection method: clinical testing. Allele origin: germline. Affected: yes. Observed: 1 variant allele.
Comment: LRRC37B: BS2

NM_001321350.2(LRRC37B):c.1-281T>C

Gene: LRRC37B (leucine rich repeat containing 37B; plus strand). Cytogenetic location: 17q11.2.
Variant type: single nucleotide variant.
Coding change: c.1-281T>C on transcript NM_001321350.2 (MANE Select); 281 bases into the intron before coding-DNA position 1, T replaced by C.
Molecular consequence: intron variant. On other transcripts: 5 prime UTR variant (1).
Genome position (GRCh38, 1-based): chr17:32,021,112, T>C. VCF-style: chr17-32021112-T-C. GRCh37 (hg19) VCF-style: chr17-30348131-T-C.
Other names: c.-35T>C (NM_052888.3).
Identifiers: ClinVar variation 2647656 (VCV002647656.24), dbSNP rs201225805, ClinGen allele CA8489969.